The following is an entry in ClinVar:

NM_001384910.1(GUCA1A):c.300T>A (p.Asp100Glu)

Genes: GUCA1A (guanylate cyclase activator 1A; plus strand), GUCA1ANB-GUCA1A (GUCA1ANB-GUCA1A readthrough; plus strand). Cytogenetic location: 6p21.1.
Variant type: single nucleotide variant.
Coding change: c.300T>A on transcript NM_001384910.1 (MANE Select); coding-DNA position 300, T replaced by A.
Protein change: p.Asp100Glu; replaces aspartic acid 100 with glutamic acid.
Molecular consequence: missense variant.
Genome position (GRCh38, 1-based): chr6:42,178,378, T>A. VCF-style: chr6-42178378-T-A. GRCh37 (hg19) VCF-style: chr6-42146116-T-A.
Other names: c.300T>A, p.Asp100Glu (NM_000409.5, NM_001319061.2, NM_001319062.2); short protein forms D100E.
Identifiers: ClinVar variation 974933 (VCV000974933.4), dbSNP rs1319646518, ClinGen allele CA364109166.

ClinVar aggregate classification (germline): Pathogenic/Likely pathogenic. Review status: criteria provided, multiple submitters, no conflicts (2 of 4 stars). 2 submissions from 2 submitters: Pathogenic (1); Likely pathogenic (1). Last evaluated 2025-06-12.

Conditions:
Cone dystrophy 3 (COD3). Also called: RETINAL CONE DYSTROPHY. Identifiers: Orphanet 1872, MedGen C1865869, MONDO:0011193, OMIM 602093.

Submissions (2):

Labcorp Genetics (formerly Invitae), Labcorp
Classification: Pathogenic. Last evaluated: 2025-06-12. Review status: criteria provided, single submitter. Criteria: Invitae Variant Classification Sherloc (09022015). Collection method: clinical testing. Allele origin: germline.
Comment: This sequence change replaces aspartic acid, which is acidic and polar, with glutamic acid, which is acidic and polar, at codon 100 of the GUCA1A protein (p.Asp100Glu). This variant is not present in population databases (gnomAD no frequency). This missense change has been observed in individual(s) with inherited retinal dystrophy (PMID: 19459154). It has also been observed to segregate with disease in related individuals. ClinVar contains an entry for this variant (Variation ID: 974933). An algorithm developed to predict the effect of missense changes on protein structure and function (PolyPhen-2) suggests that this variant is likely to be disruptive. Experimental studies have shown that this missense change affects GUCA1A function (PMID: 19459154, 24566882, 28125083). For these reasons, this variant has been classified as Pathogenic.

SIB Swiss Institute of Bioinformatics
Classification: Likely pathogenic for Cone dystrophy 3. Last evaluated: 2020-06-05. Review status: criteria provided, single submitter. Criteria: ACMG Guidelines, 2015. Collection method: curation. Allele origin: unknown.
Comment: This variant is interpreted as likely pathogenic for Cone dystrophy 3, autosomal dominant. The following ACMG Tag(s) were applied: Absent from controls (or at extremely low frequency if recessive) in Exome Sequencing Project, 1000 Genomes Project, or Exome Aggregation Consortium (PM2); Located in a mutational hot spot and/or critical and well-established functional domain (e.g., active site of an enzyme) without benign variation (PM1); Multiple lines of computational evidence support a deleterious effect on the gene or gene product (PP3); Novel missense change at an amino acid residue where a different missense change determined to be pathogenic has been seen before (PM5); Well-established functional studies show a deleterious effect (PS3 downgraded to supporting).

Literature cited by the submitters: PubMed 19459154 (cited by Labcorp Genetics (formerly Invitae), Labcorp and SIB Swiss Institute of Bioinformatics); PubMed 24566882 (cited by Labcorp Genetics (formerly Invitae), Labcorp); PubMed 28125083 (cited by Labcorp Genetics (formerly Invitae), Labcorp).